The following is an entry in ClinVar:

NM_001184880.2(PCDH19):c.416C>T (p.Ser139Leu)

Gene: PCDH19 (protocadherin 19; minus strand). Cytogenetic location: Xq22.1.
Variant type: single nucleotide variant.
Coding change: c.416C>T on transcript NM_001184880.2 (MANE Select); coding-DNA position 416, C replaced by T.
Protein change: p.Ser139Leu; replaces serine 139 with leucine.
Molecular consequence: missense variant.
Genome position (GRCh38, 1-based): chrX:100,408,182, G>A on the plus strand (C>T on the coding strand, the complement: PCDH19 is on the minus strand). VCF-style: chrX-100408182-G-A. GRCh37 (hg19) VCF-style: chrX-99663180-G-A.
Other names: c.416C>T, p.Ser139Leu (NM_001105243.2, NM_020766.3); short protein forms S139L.
Identifiers: ClinVar variation 449359 (VCV000449359.12), dbSNP rs1555985687, ClinGen allele CA414009791.

ClinVar aggregate classification (germline): Conflicting classifications of pathogenicity. Review status: criteria provided, conflicting classifications (1 of 4 stars). 2 submissions from 2 submitters: Likely pathogenic (1); Uncertain significance (1). Last evaluated 2021-03-29.

Conditions:
Developmental and epileptic encephalopathy, 9 (DEE9). Also called: EPILEPSY, FEMALE-RESTRICTED, WITH MENTAL RETARDATION; Early infantile epileptic encephalopathy 9; PCDH19-Related X-Linked Female-Limited Epilepsy with Mental Retardation; JUBERG-HELLMAN SYNDROME. Identifiers: Orphanet 101039, Orphanet 2076, MedGen C1848137, MONDO:0010246, OMIM 300088. Disease mechanism: loss of function.

Submissions (2):

Labcorp Genetics (formerly Invitae), Labcorp
Classification: Likely pathogenic for Developmental and epileptic encephalopathy, 9. Last evaluated: 2021-03-29. Review status: criteria provided, single submitter. Criteria: Invitae Variant Classification Sherloc (09022015). Collection method: clinical testing. Allele origin: germline.
Comment: In summary, the currently available evidence indicates that the variant is pathogenic, but additional data are needed to prove that conclusively. Therefore, this variant has been classified as Likely Pathogenic. Algorithms developed to predict the effect of missense changes on protein structure and function are either unavailable or do not agree on the potential impact of this missense change (SIFT: "Deleterious"; PolyPhen-2: "Probably Damaging"; Align-GVGD: "Class C0"). This variant has been observed in individual(s) with clinical features of developmental and epileptic encephalopathy (PMID: 23712037, Invitae). In at least one individual the variant was observed to be de novo. ClinVar contains an entry for this variant (Variation ID: 449359). This variant is not present in population databases (ExAC no frequency). This sequence change replaces serine with leucine at codon 139 of the PCDH19 protein (p.Ser139Leu). The serine residue is highly conserved and there is a large physicochemical difference between serine and leucine.

GeneDx
Classification: Uncertain significance. Last evaluated: 2017-11-03. Review status: criteria provided, single submitter. Criteria: GeneDx Variant Classification (06012015). Collection method: clinical testing. Allele origin: germline. Affected: yes.
Comment: The S139L variant is not observed in large population cohorts (Lek et al., 2016). The S139L variant is a non-conservative amino acid substitution, which is likely to impact secondary protein structure as these residues differ in polarity, charge, size and/or other properties. In-silico analyses, including protein predictors and evolutionary conservation, support a deleterious effect. Based on the currently available information, it is unclear whether this variant is a pathogenic variant or a rare benign variant.

Literature cited by the submitters: PubMed 23712037 (cited by Labcorp Genetics (formerly Invitae), Labcorp).